The following is an entry in ClinVar:

ClinVar aggregate classification (germline): Uncertain significance (1 of 4 stars; one submission).

Conditions:
TP63-Related Spectrum Disorders.

Allele frequency attached by ClinVar (database versions not stated): ExAC 0.00001; gnomAD 0.00001.
gnomAD v4.1: 1 of 1,613,848 alleles (0.000062%); highest among the groups gnomAD compares: Non-Finnish European, 0.000085%; no homozygotes.

Submission:

Labcorp Genetics (formerly Invitae), Labcorp
Classification: Uncertain significance. Last evaluated: 2023-06-27. Review status: criteria provided, single submitter. Criteria: Invitae Variant Classification Sherloc (09022015). Collection method: clinical testing. Allele origin: germline.
Comment: This variant has not been reported in the literature in individuals affected with TP63-related conditions. This sequence change replaces phenylalanine, which is neutral and non-polar, with leucine, which is neutral and non-polar, at codon 644 of the TP63 protein (p.Phe644Leu). This variant is present in population databases (rs760026775, gnomAD 0.0009%). Advanced modeling of protein sequence and biophysical properties (such as structural, functional, and spatial information, amino acid conservation, physicochemical variation, residue mobility, and thermodynamic stability) has been performed at Invitae for this missense variant, however the output from this modeling did not meet the statistical confidence thresholds required to predict the impact of this variant on TP63 protein function. In summary, the available evidence is currently insufficient to determine the role of this variant in disease. Therefore, it has been classified as a Variant of Uncertain Significance.

NM_003722.5(TP63):c.1930T>C (p.Phe644Leu)

Gene: TP63 (tumor protein p63; plus strand). Cytogenetic location: 3q28.
Variant type: single nucleotide variant.
Coding change: c.1930T>C on transcript NM_003722.5 (MANE Select); coding-DNA position 1930, T replaced by C.
Protein change: p.Phe644Leu; replaces phenylalanine 644 with leucine.
Molecular consequence: missense variant. On other transcripts: 3 prime UTR variant (6).
Genome position (GRCh38, 1-based): chr3:189,894,389, T>C. VCF-style: chr3-189894389-T-C. GRCh37 (hg19) VCF-style: chr3-189612178-T-C.
Other names: c.*168T>C (NM_001114978.2, NM_001114981.2); c.1648T>C, p.Phe550Leu (NM_001114980.2); c.*158T>C (NM_001329144.2, NM_001329145.2, NM_001329149.2 and 1 more transcripts); c.1393T>C, p.Phe465Leu (NM_001329146.2); c.1918T>C, p.Phe640Leu (NM_001329148.2); c.1924T>C, p.Phe642Leu (NM_001329964.2); short protein forms F644L, F550L, F640L, F642L, F465L.
Identifiers: ClinVar variation 2797415 (VCV002797415.2), dbSNP rs760026775, ClinGen allele CA2752598.